The following is an entry in ClinVar:

NM_020247.5(COQ8A):c.1107C>T (p.Asn369=)

Gene: COQ8A (coenzyme Q8A; plus strand). Cytogenetic location: 1q42.13.
Variant type: single nucleotide variant.
Coding change: c.1107C>T on transcript NM_020247.5 (MANE Select); coding-DNA position 1107, C replaced by T.
Protein change: p.Asn369=; no amino-acid change (asparagine 369 retained).
Molecular consequence: synonymous variant.
Genome position (GRCh38, 1-based): chr1:226,983,578, C>T. VCF-style: chr1-226983578-C-T. GRCh37 (hg19) VCF-style: chr1-227171279-C-T.
Other names: p.Asn369=.
Identifiers: ClinVar variation 4684227 (VCV004684227.1).

ClinVar aggregate classification (germline): Likely benign (1 of 4 stars; one submission).

gnomAD v4.1: 1 of 1,613,990 alleles (0.000062%); highest among the groups gnomAD compares: Non-Finnish European, 0.000085%; no homozygotes.

Submission:

Mayo Clinic Laboratories, Mayo Clinic
Classification: Likely benign. Last evaluated: 2025-10-22. Review status: criteria provided, single submitter. Criteria: ACMG Guidelines, 2015. Collection method: clinical testing. Allele origin: germline. Observed: 1 variant allele.
Comment: BP4, BP7